The following is an entry in ClinVar:

NM_005592.4(MUSK):c.1540A>C (p.Thr514Pro)

Gene: MUSK (muscle associated receptor tyrosine kinase; plus strand). Cytogenetic location: 9q31.3.
Variant type: single nucleotide variant.
Coding change: c.1540A>C on transcript NM_005592.4 (MANE Select); coding-DNA position 1540, A replaced by C.
Protein change: p.Thr514Pro; replaces threonine 514 with proline.
Molecular consequence: missense variant.
Genome position (GRCh38, 1-based): chr9:110,784,970, A>C. VCF-style: chr9-110784970-A-C. GRCh37 (hg19) VCF-style: chr9-113547250-A-C.
Other names: c.1282A>C, p.Thr428Pro (NM_001166280.2); c.1252A>C, p.Thr418Pro (NM_001166281.2); c.280A>C, p.Thr94Pro (NM_001369398.1); short protein forms T428P, T418P, T514P, T94P.
Identifiers: ClinVar variation 2165437 (VCV002165437.1), dbSNP rs1379894331, ClinGen allele CA374475344.

ClinVar aggregate classification (germline): Uncertain significance (1 of 4 stars; one submission).

Conditions:
Fetal akinesia deformation sequence 1 (FADS1). Also called: Pena-Shokeir syndrome type I; Fetal akinesia sequence. Identifiers: Orphanet 994, MedGen C1276035, MONDO:0100101, OMIM 208150, HP:0001989.
Congenital myasthenic syndrome 9. Also called: Myasthenic syndrome, congenital, 9, associated with acetylcholine receptor deficiency. Identifiers: Orphanet 590, MedGen C4225368, MONDO:0014587, OMIM 616325.

gnomAD v4.1: 4 of 1,613,640 alleles (0.00025%); highest among the groups gnomAD compares: Admixed American, 0.005%; no homozygotes.

Submission:

Labcorp Genetics (formerly Invitae), Labcorp
Classification: Uncertain significance for Congenital myasthenic syndrome 9; Fetal akinesia deformation sequence 1. Last evaluated: 2022-08-15. Review status: criteria provided, single submitter. Criteria: Invitae Variant Classification Sherloc (09022015). Collection method: clinical testing. Allele origin: germline.
Comment: This sequence change replaces threonine, which is neutral and polar, with proline, which is neutral and non-polar, at codon 514 of the MUSK protein (p.Thr514Pro). This variant is present in population databases (no rsID available, gnomAD 0.006%). This variant has not been reported in the literature in individuals affected with MUSK-related conditions. Advanced modeling of protein sequence and biophysical properties (such as structural, functional, and spatial information, amino acid conservation, physicochemical variation, residue mobility, and thermodynamic stability) performed at Invitae indicates that this missense variant is not expected to disrupt MUSK protein function. In summary, the available evidence is currently insufficient to determine the role of this variant in disease. Therefore, it has been classified as a Variant of Uncertain Significance.